The following is an entry in ClinVar:

ClinVar aggregate classification (germline): Uncertain significance (1 of 4 stars; one submission).

Submission:

Labcorp Genetics (formerly Invitae), Labcorp
Classification: Uncertain significance. Last evaluated: 2025-10-30. Review status: criteria provided, single submitter. Criteria: Invitae Variant Classification Sherloc (09022015). Collection method: clinical testing. Allele origin: germline.
Comment: This sequence change replaces glutamic acid, which is acidic and polar, with valine, which is neutral and non-polar, at codon 324 of the SLC10A2 protein (p.Glu324Val). This variant is not present in population databases (gnomAD no frequency). This variant has not been reported in the literature in individuals affected with SLC10A2-related conditions. An algorithm developed to predict the effect of missense changes on protein structure and function (PolyPhen-2) suggests that this variant is likely to be tolerated. In summary, the available evidence is currently insufficient to determine the role of this variant in disease. Therefore, it has been classified as a Variant of Uncertain Significance.

NM_000452.3(SLC10A2):c.971A>T (p.Glu324Val)

Gene: SLC10A2 (solute carrier family 10 member 2; minus strand). Cytogenetic location: 13q33.1.
Variant type: single nucleotide variant.
Coding change: c.971A>T on transcript NM_000452.3 (MANE Select); coding-DNA position 971, A replaced by T.
Protein change: p.Glu324Val; replaces glutamic acid 324 with valine.
Molecular consequence: missense variant.
Genome position (GRCh38, 1-based): chr13:103,046,209, T>A on the plus strand (A>T on the coding strand, the complement: SLC10A2 is on the minus strand). VCF-style: chr13-103046209-T-A. GRCh37 (hg19) VCF-style: chr13-103698559-T-A.
Other names: short protein forms E324V.
Identifiers: ClinVar variation 4729049 (VCV004729049.1).